The following is an entry in ClinVar:

ClinVar aggregate classification (germline): Uncertain significance. Review status: criteria provided, multiple submitters, no conflicts (2 of 4 stars). 2 submissions from 2 submitters: Uncertain significance (2). Last evaluated 2026-06-18.

Conditions:
TUB-related disorder. Also called: TUB-related condition.

Allele frequency attached by ClinVar (database versions not stated): gnomAD 0.00002; gnomAD exomes 0.00002 and 0.00001; TOPMed 0.00002; ESP Exome Variant Server 0.00008; ExAC 0.00001.
gnomAD v4.1: 13 of 1,613,972 alleles (0.00081%); highest among the groups gnomAD compares: Admixed American, 0.0083%; no homozygotes.

Submissions (2):

PreventionGenetics, part of Exact Sciences
Classification: Uncertain significance for TUB-related condition. Last evaluated: 2026-06-18. Review status: criteria provided, single submitter. Criteria: ACMG Guidelines, 2015. Collection method: clinical testing. Allele origin: germline.
Comment: The TUB c.866C>G variant is predicted to result in the amino acid substitution p.Ala289Gly. To our knowledge, this variant has not been reported in the literature. This variant is reported in 0.0085% of alleles in individuals of Latino descent in gnomAD. At this time, the clinical significance of this variant is uncertain due to the absence of conclusive functional and genetic evidence.

Labcorp Genetics (formerly Invitae), Labcorp
Classification: Uncertain significance. Last evaluated: 2023-12-01. Review status: criteria provided, single submitter. Criteria: Invitae Variant Classification Sherloc (09022015). Collection method: clinical testing. Allele origin: germline.
Comment: This sequence change replaces alanine, which is neutral and non-polar, with glycine, which is neutral and non-polar, at codon 289 of the TUB protein (p.Ala289Gly). This variant is present in population databases (rs372872825, gnomAD 0.009%). This variant has not been reported in the literature in individuals affected with TUB-related conditions. ClinVar contains an entry for this variant (Variation ID: 1002423). An algorithm developed to predict the effect of missense changes on protein structure and function (PolyPhen-2) suggests that this variant¬†is likely to be tolerated. In summary, the available evidence is currently insufficient to determine the role of this variant in disease. Therefore, it has been classified as a Variant of Uncertain Significance.

NM_177972.3(TUB):c.701C>G (p.Ala234Gly)

Genes: RIC3 (RIC3 acetylcholine receptor chaperone; minus strand), TUB (TUB bipartite transcription factor; plus strand). Cytogenetic location: 11p15.4.
Variant type: single nucleotide variant.
Coding change: c.701C>G on transcript NM_177972.3 (MANE Select); coding-DNA position 701, C replaced by G.
Protein change: p.Ala234Gly; replaces alanine 234 with glycine.
Molecular consequence: missense variant.
Genome position (GRCh38, 1-based): chr11:8,097,241, C>G. VCF-style: chr11-8097241-C-G. GRCh37 (hg19) VCF-style: chr11-8118788-C-G.
Other names: c.866C>G, p.Ala289Gly (NM_003320.5); c.866C>G (NM_003320.4); short protein forms A234G, A289G.
Identifiers: ClinVar variation 1002423 (VCV001002423.7), dbSNP rs372872825, ClinGen allele CA5871218.
Genomic context (GRCh38, chr11:8,097,241, plus strand): 5'-CTGCTTAGGGTCCTTGGGGCTCAGGCACCTATTCTGCATCCCCATAGGAGGCAGCCTCAG[C>G]CCCTAGCCCAACAGCTCCAGAGCAACCAGTGGACGTTGAGGTCCAGGATCTTGAGGAGTT-3'
Protein context (NP_813977.1, residues 224-244): SRKSVREAAS[Ala234Gly]PSPTAPEQPV